The following is an entry in ClinVar:

NM_001384732.1(CPLANE1):c.8183A>T (p.Tyr2728Phe)

Gene: CPLANE1 (ciliogenesis and planar polarity effector complex subunit 1; minus strand). Cytogenetic location: 5p13.2.
Variant type: single nucleotide variant.
Coding change: c.8183A>T on transcript NM_001384732.1 (MANE Select); coding-DNA position 8183, A replaced by T.
Protein change: p.Tyr2728Phe; replaces tyrosine 2728 with phenylalanine.
Molecular consequence: missense variant.
Genome position (GRCh38, 1-based): chr5:37,153,930, T>A on the plus strand (A>T on the coding strand, the complement: CPLANE1 is on the minus strand). VCF-style: chr5-37153930-T-A. GRCh37 (hg19) VCF-style: chr5-37154032-T-A.
Other names: c.8021A>T, p.Tyr2674Phe (NM_023073.4); c.8021A>T (NM_023073.3); short protein forms Y2728F, Y2674F.
Identifiers: ClinVar variation 2114709 (VCV002114709.5), dbSNP rs1316822863, ClinGen allele CA359474211.
Genomic context (GRCh38, chr5:37,153,930, plus strand): 5'-GCTGCAGAGCTTGGTGCAGGGCAAGCTGCAGAGACACCTTGCAGCCGTTTCCACAATAGA[T>A]AATCTTCTGCAGAGTCTGACTTTGTGCTCTGTCCTTTGAATCGGAACTCTGGTTTTGGCA-3'
Protein context (NP_001371661.1, residues 2718-2738): QSTKSDSAED[Tyr2728Phe]LLWKRLQGVS

ClinVar aggregate classification (germline): Uncertain significance. Review status: criteria provided, multiple submitters, no conflicts (2 of 4 stars). 2 submissions from 2 submitters: Uncertain significance (2). Last evaluated 2022-03-19.

Conditions:
Inborn genetic diseases. Identifiers: MedGen C0950123, MeSH D030342.

gnomAD v4.1: 2 of 1,614,128 alleles (0.00012%); highest among the groups gnomAD compares: East Asian, 0.0022%; no homozygotes.

Submissions (2):

Labcorp Genetics (formerly Invitae), Labcorp
Classification: Uncertain significance. Last evaluated: 2022-03-19. Review status: criteria provided, single submitter. Criteria: Invitae Variant Classification Sherloc (09022015). Collection method: clinical testing. Allele origin: germline.
Comment: In summary, the available evidence is currently insufficient to determine the role of this variant in disease. Therefore, it has been classified as a Variant of Uncertain Significance. Advanced modeling of protein sequence and biophysical properties (such as structural, functional, and spatial information, amino acid conservation, physicochemical variation, residue mobility, and thermodynamic stability) performed at Invitae indicates that this missense variant is not expected to disrupt CPLANE1 protein function. This variant has not been reported in the literature in individuals affected with CPLANE1-related conditions. This variant is present in population databases (no rsID available, gnomAD 0.003%). This sequence change replaces tyrosine, which is neutral and polar, with phenylalanine, which is neutral and non-polar, at codon 2674 of the CPLANE1 protein (p.Tyr2674Phe).

Ambry Genetics
Classification: Uncertain significance for Inborn genetic diseases. Last evaluated: 2021-10-20. Review status: criteria provided, single submitter. Criteria: Ambry Variant Classification Scheme 2023. Collection method: clinical testing. Allele origin: germline.